The following is an entry in ClinVar:

ClinVar aggregate classification (germline): Likely benign. Review status: criteria provided, multiple submitters, no conflicts (2 of 4 stars). 4 submissions from 4 submitters: Likely benign (2). 2 of the submissions do not count toward it. Last evaluated 2026-01-26.

Conditions:
Autosomal recessive limb-girdle muscular dystrophy type 2J (LGMDR10). Also called: MUSCULAR DYSTROPHY, LIMB-GIRDLE, AUTOSOMAL RECESSIVE 10; Limb-girdle muscular dystrophy, type 2J. Identifiers: Orphanet 140922, MedGen C1837342, MONDO:0012127, OMIM 608807.
Dilated cardiomyopathy 1G (CMD1G). Identifiers: Orphanet 154, MedGen C1858763, MONDO:0011400, OMIM 604145.

Submissions (4):

Women's Health and Genetics/Laboratory Corporation of America, LabCorp
Classification: Likely benign. Last evaluated: 2026-01-26. Review status: criteria provided, single submitter. Criteria: LabCorp Variant Classification Summary - May 2015. Collection method: clinical testing. Allele origin: germline.
Comment: Variant summary: TTN c.27782-4delT alters a nucleotide located at a position not widely known to affect splicing. Consensus agreement among computation tools predict no significant impact on normal splicing. However, these predictions have yet to be confirmed by functional studies. The variant allele was found at a frequency of 4.7e-05 in 234296 control chromosomes (gnomAD). This frequency is not significantly higher than estimated for disease-causing variants in TTN, allowing no conclusion about variant significance. To our knowledge, no occurrence of c.27782-4delT in individuals affected with TTN-related conditions and no experimental evidence demonstrating its impact on protein function have been reported. ClinVar contains an entry for this variant (Variation ID: 707504). Based on the evidence outlined above, the variant was classified as likely benign.

Labcorp Genetics (formerly Invitae), Labcorp
Classification: Likely benign for Dilated cardiomyopathy 1G; Autosomal recessive limb-girdle muscular dystrophy type 2J. Last evaluated: 2026-01-20. Review status: criteria provided, single submitter. Criteria: Invitae Variant Classification Sherloc (09022015). Collection method: clinical testing. Allele origin: germline.

Clinical Genetics, Academic Medical Center
Classification: Benign. Review status: no assertion criteria provided. Collection method: clinical testing. Allele origin: germline. Affected: yes. Study: VKGL Data-share Consensus. Not counted in ClinVar's aggregate classification.

Joint Genome Diagnostic Labs from Nijmegen and Maastricht, Radboudumc and MUMC+
Classification: Likely benign. Review status: no assertion criteria provided. Collection method: clinical testing. Allele origin: germline. Affected: yes. Study: VKGL Data-share Consensus. Not counted in ClinVar's aggregate classification.

NM_001267550.2(TTN):c.31514-4del

Gene: TTN (titin; minus strand). Cytogenetic location: 2q31.2.
Variant type: Deletion.
Coding change: c.31514-4del on transcript NM_001267550.2 (MANE Select); 4 bases into the intron before coding-DNA position 31514, one base deleted (T; older notation c.31514-4delT).
Molecular consequence: intron variant.
Genome position (GRCh38, 1-based): chr2:178,693,693, A deleted on the plus strand (T on the coding strand, the reverse complement: TTN is on the minus strand); the first of 7 consecutive A bases (chr2:178,693,693-178,693,699); deleting any one gives the same sequence. VCF-style (leftmost placement, unchanged base first): chr2-178693692-TA-T. GRCh37 (hg19) VCF-style: chr2-179558419-TA-T.
Other names: c.27782-4delT (NM_133378.4); c.13282+44389del (NM_003319.4); c.13858+44389del (NM_133437.4); c.13657+44389del (NM_133432.3); c.27782-4del (NM_133378.4); c.30563-4del (NM_001256850.1).
Identifiers: ClinVar variation 707504 (VCV000707504.16), dbSNP rs776720259, ClinGen allele CA1998926.